The following is an entry in ClinVar:

NM_133178.4(PTPRU):c.3744G>A (p.Thr1248=)

Gene: PTPRU (protein tyrosine phosphatase receptor type U; plus strand). Cytogenetic location: 1p35.3.
Variant type: single nucleotide variant.
Coding change: c.3744G>A on transcript NM_133178.4 (MANE Select); coding-DNA position 3744, G replaced by A.
Protein change: p.Thr1248=; no amino-acid change (threonine 1248 retained).
Molecular consequence: synonymous variant.
Genome position (GRCh38, 1-based): chr1:29,320,741, G>A. VCF-style: chr1-29320741-G-A. GRCh37 (hg19) VCF-style: chr1-29647253-G-A.
Other names: c.3735G>A, p.Thr1245= (NM_001195001.2); c.3774G>A, p.Thr1258= (NM_005704.5); c.3762G>A, p.Thr1254= (NM_133177.4).
Identifiers: ClinVar variation 3052522 (VCV003052522.2), dbSNP rs138823810, ClinGen allele CA727244.
Genomic context (GRCh38, chr1:29,320,741, plus strand): 5'-GCAGAGCTACACACGGAGTGCGGCCTTCATCGTGACCCTGCACCCGCTGCAGAGCACCAC[G>A]CCCGACTTCTGGCGGCTGGTCTACGATTACGGGTGCACCTCCATCGTCATGCTCAACCAG-3'
Protein context (NP_573439.2, residues 1238-1258): IVTLHPLQST[Thr1248=]PDFWRLVYDY

ClinVar aggregate classification (germline): Likely benign (0 of 4 stars; one submission).

Conditions:
PTPRU-related disorder. Also called: PTPRU-related condition.

Allele frequency attached by ClinVar (database versions not stated): gnomAD exomes 0.00009; ExAC 0.00029; 1000 Genomes Project 0.00040; 1000 Genomes Project 30x 0.00047; ESP Exome Variant Server 0.00077.
gnomAD v4.1: 264 of 1,608,956 alleles (0.016%); highest among the groups gnomAD compares: African/African-American, 0.29%; no homozygotes.

Submission:

PreventionGenetics, part of Exact Sciences
Classification: Likely benign for PTPRU-related condition. Last evaluated: 2023-02-28. Review status: no assertion criteria provided. Collection method: clinical testing. Allele origin: germline.
Comment: This variant is classified as likely benign based on ACMG/AMP sequence variant interpretation guidelines (Richards et al. 2015 PMID: 25741868, with internal and published modifications).